The following is an entry in ClinVar:

ClinVar aggregate classification (germline): Uncertain significance (1 of 4 stars; one submission).

gnomAD v4.1: 14 of 1,610,148 alleles (0.00087%); highest among the groups gnomAD compares: Admixed American, 0.017%; no homozygotes.

Submission:

Ambry Genetics
Classification: Uncertain significance. Last evaluated: 2024-12-06. Review status: criteria provided, single submitter. Criteria: Ambry Variant Classification Scheme 2023. Collection method: clinical testing. Allele origin: germline.
Comment: The p.P1063S variant (also known as c.3187C>T), located in coding exon 12 of the WNK2 gene, results from a C to T substitution at nucleotide position 3187. The proline at codon 1063 is replaced by serine, an amino acid with similar properties. This amino acid position is conserved. In addition, this alteration is predicted to be tolerated by in silico analysis. Based on the available evidence, the clinical significance of this variant remains unclear.

NM_006648.4(WNK2):c.3187C>T (p.Pro1063Ser)

Gene: WNK2 (WNK lysine deficient protein kinase 2; plus strand). Cytogenetic location: 9q22.31.
Variant type: single nucleotide variant.
Coding change: c.3187C>T on transcript NM_006648.4 (MANE Select); coding-DNA position 3187, C replaced by T.
Protein change: p.Pro1063Ser; replaces proline 1063 with serine.
Molecular consequence: missense variant.
Genome position (GRCh38, 1-based): chr9:93,261,934, C>T. VCF-style: chr9-93261934-C-T. GRCh37 (hg19) VCF-style: chr9-96024216-C-T.
Other names: c.3187C>T, p.Pro1063Ser (NM_001282394.3); short protein forms P1063S.
Identifiers: ClinVar variation 3470625 (VCV003470625.1).